The following is an entry in ClinVar:

NM_007294.4(BRCA1):c.5310G>C (p.Gly1770=)

Gene: BRCA1 (BRCA1 DNA repair associated; minus strand). Cytogenetic location: 17q21.31.
Variant type: single nucleotide variant.
Coding change: c.5310G>C on transcript NM_007294.4 (MANE Select); coding-DNA position 5310, G replaced by C.
Protein change: p.Gly1770=; no amino-acid change (glycine 1770 retained).
Molecular consequence: synonymous variant. On other transcripts: intron variant (2).
Genome position (GRCh38, 1-based): chr17:43,051,085, C>G on the plus strand (G>C on the coding strand, the complement: BRCA1 is on the minus strand). VCF-style: chr17-43051085-C-G. GRCh37 (hg19) VCF-style: chr17-41203102-C-G.
Other names: c.5097G>C, p.Gly1699= (NM_001407571.1, NM_001407894.1, NM_001407895.1 and 12 more transcripts); c.5376G>C, p.Gly1792= (NM_001407581.1, NM_001407582.1); c.5373G>C, p.Gly1791= (NM_001407583.1, NM_001407585.1, NM_001407587.1 and 1 more transcripts); c.5370G>C, p.Gly1790= (NM_001407590.1, NM_001407591.1); c.5310G>C, p.Gly1770= (NM_001407593.1, NM_001407594.1, NM_001407596.1 and 6 more transcripts); c.5307G>C, p.Gly1769= (NM_001407610.1, NM_001407611.1, NM_001407612.1 and 17 more transcripts); c.5304G>C, p.Gly1768= (NM_001407627.1, NM_001407628.1, NM_001407629.1 and 14 more transcripts); c.5301G>C, p.Gly1767= (NM_001407644.1, NM_001407645.1); and 74 more.
Identifiers: ClinVar variation 219830 (VCV000219830.24), dbSNP rs273901761, ClinGen allele CA054451.

ClinVar aggregate classification (germline): Likely benign. Review status: reviewed by expert panel (3 of 4 stars). 6 submissions from 6 submitters: Likely benign (1). 5 of the submissions do not count toward it. Last evaluated 2017-06-29.

Conditions:
Hereditary breast ovarian cancer syndrome. Also called: Breast and ovarian cancer; Hereditary breast and ovarian cancer; Hereditary breast and ovarian cancer syndrome; Hereditary breast and/or ovarian cancer syndrome; BRCA1- and BRCA2-Associated Hereditary Breast and Ovarian Cancer; Hereditary breast and ovarian cancer syndrome (HBOC). Identifiers: Orphanet 145, MedGen C0677776, MeSH D061325, MONDO:0003582. Disease mechanism: loss of function.
Breast-ovarian cancer, familial, susceptibility to, 1 (BROVCA1). Also called: BRCA1 Hereditary Breast and Ovarian Cancer; OVARIAN CANCER, SUSCEPTIBILITY TO. Identifiers: Orphanet 145, MedGen C2676676, MONDO:0011450, OMIM 604370. Disease mechanism: loss of function.
Hereditary cancer-predisposing syndrome. Also called: Tumor predisposition; Hereditary Cancer Syndrome; Neoplastic Syndromes, Hereditary; Hereditary neoplastic syndrome. Identifiers: Orphanet 140162, MedGen C0027672, MeSH D009386, MONDO:0015356.

Allele frequency attached by ClinVar (database versions not stated): TOPMed 0.00002.
gnomAD v4.1: 1 of 1,613,758 alleles (0.000062%); highest among the groups gnomAD compares: African/African-American, 0.0013%; no homozygotes.

Submissions (7):

Evidence-based Network for the Interpretation of Germline Mutant Alleles (ENIGMA)
Classification: Likely benign for Breast-ovarian cancer, familial, susceptibility to, 1. Last evaluated: 2017-06-29. Review status: reviewed by expert panel. Criteria: ENIGMA BRCA1/2 Classification Criteria (2017-06-29). Collection method: curation. Allele origin: germline.
Comment: Synonymous substitution variant, with low bioinformatic likelihood to result in a splicing aberration (Splicing prior probability 0.02).

Labcorp Genetics (formerly Invitae), Labcorp
Classification: Likely benign for Hereditary breast ovarian cancer syndrome. Last evaluated: 2025-10-07. Review status: criteria provided, single submitter. Criteria: Invitae Variant Classification Sherloc (09022015). Collection method: clinical testing. Allele origin: germline. Not counted in ClinVar's aggregate classification.

All of Us Research Program, National Institutes of Health
Classification: Likely benign for Breast-ovarian cancer, familial, susceptibility to, 1. Last evaluated: 2023-12-18. Review status: criteria provided, single submitter. Criteria: ACMG Guidelines, 2015. Collection method: clinical testing. Allele origin: germline. Inheritance: Autosomal dominant inheritance. Observed: 2 variant alleles, 2 heterozygotes. Not counted in ClinVar's aggregate classification.
Comment: This study involves interpretation of variants in research participants for the purpose of population health screening. Participant phenotype was not available at the time of variant classification. Additional details can be found in publication PMID: 35346344, PMCID: PMC8962531

GeneDx
Classification: Likely benign. Last evaluated: 2021-04-14. Review status: criteria provided, single submitter. Criteria: GeneDx Variant Classification Process June 2021. Collection method: clinical testing. Allele origin: germline. Affected: yes. Not counted in ClinVar's aggregate classification.
Comment: This variant is associated with the following publications: (PMID: 30209399)

Quest Diagnostics Nichols Institute San Juan Capistrano
Classification: Likely benign. Last evaluated: 2020-02-21. Review status: criteria provided, single submitter. Criteria: Quest Diagnostics criteria. Collection method: clinical testing. Allele origin: unknown. Not counted in ClinVar's aggregate classification.

Ambry Genetics
Classification: Likely benign for Hereditary cancer-predisposing syndrome. Last evaluated: 2016-12-02. Review status: criteria provided, single submitter. Criteria: Ambry Variant Classification Scheme 2023. Collection method: clinical testing. Allele origin: germline. Not counted in ClinVar's aggregate classification.

Brotman Baty Institute, University of Washington
No classification provided (evidence only). Condition: Breast-ovarian cancer, familial 1. Review status: no classification provided. Collection method: in vitro. Allele origin: not applicable. Functional consequence: functionally_normal. Not counted in ClinVar's aggregate classification.
ClinVar note: "not provided" was previously submitted as the classification for the variant. However, the classification appeared to be based only on an observation of functional data so it was converted to no classification on 2025-07-30.